The following is an entry in ClinVar:

NM_004006.3(DMD):c.1877A>T (p.Asp626Val)

Gene: DMD (dystrophin; minus strand). Cytogenetic location: Xp21.1.
Variant type: single nucleotide variant.
Coding change: c.1877A>T on transcript NM_004006.3 (MANE Select); coding-DNA position 1877, A replaced by T.
Protein change: p.Asp626Val; replaces aspartic acid 626 with valine.
Molecular consequence: missense variant.
Genome position (GRCh38, 1-based): chrX:32,565,817, T>A on the plus strand (A>T on the coding strand, the complement: DMD is on the minus strand). VCF-style: chrX-32565817-T-A. GRCh37 (hg19) VCF-style: chrX-32583934-T-A.
Other names: c.1853A>T, p.Asp618Val (NM_000109.4); c.1865A>T, p.Asp622Val (NM_004009.3); c.1508A>T, p.Asp503Val (NM_004010.3); short protein forms D626V, D503V, D618V, D622V.
Identifiers: ClinVar variation 569690 (VCV000569690.7), dbSNP rs1569214355, ClinGen allele CA412672798.

ClinVar aggregate classification (germline): Uncertain significance. Review status: criteria provided, single submitter (1 of 4 stars). 2 submissions from 2 submitters: Uncertain significance (1). 1 of the submissions does not count toward it. Last evaluated 2021-09-25.

Conditions:
Dystrophin deficiency.
Cardiomyopathy (CMYO). Also called: Cardiomyopathies. Identifiers: Orphanet 167848, MedGen C0878544, MONDO:0004994, HP:0001638. Inheritance: Various modes of inheritance.
Becker muscular dystrophy (BMD). Also called: Becker Muscular Dystrophy (BMD); MUSCULAR DYSTROPHY, PSEUDOHYPERTROPHIC PROGRESSIVE, BECKER TYPE. Identifiers: Orphanet 98895, MedGen C0917713, MONDO:0010311, OMIM 300376.
Duchenne muscular dystrophy (DMD). Also called: Duchenne Muscular Dystrophy (DMD); MUSCULAR DYSTROPHY, PSEUDOHYPERTROPHIC PROGRESSIVE, DUCHENNE TYPE. Identifiers: Orphanet 98896, MedGen C0013264, MONDO:0010679, OMIM 310200.

gnomAD v4.1: 5 of 1,211,324 alleles (0.00041%); highest among the groups gnomAD compares: South Asian, 0.0018%; no homozygotes.

Submissions (2):

Labcorp Genetics (formerly Invitae), Labcorp
Classification: Uncertain significance for Duchenne muscular dystrophy. Last evaluated: 2021-09-25. Review status: criteria provided, single submitter. Criteria: Invitae Variant Classification Sherloc (09022015). Collection method: clinical testing. Allele origin: germline.
Comment: This sequence change replaces aspartic acid with valine at codon 626 of the DMD protein (p.Asp626Val). The aspartic acid residue is highly conserved and there is a large physicochemical difference between aspartic acid and valine. This variant is not present in population databases (ExAC no frequency). This variant has not been reported in the literature in individuals affected with DMD-related conditions. Algorithms developed to predict the effect of missense changes on protein structure and function are either unavailable or do not agree on the potential impact of this missense change (SIFT: "Tolerated"; PolyPhen-2: "Possibly Damaging"; Align-GVGD: "Class C0"). In summary, the available evidence is currently insufficient to determine the role of this variant in disease. Therefore, it has been classified as a Variant of Uncertain Significance.

Natera, Inc.
Classification: Uncertain significance for Becker muscular dystrophy; Cardiomyopathy; Duchenne muscular dystrophy; Dystrophin deficiency. Last evaluated: 2020-03-13. Review status: no assertion criteria provided. Collection method: clinical testing. Allele origin: germline. Not counted in ClinVar's aggregate classification.